The following is an entry in ClinVar:

NM_144687.4(NLRP12):c.2032G>A (p.Ala678Thr)

Gene: NLRP12 (NLR family pyrin domain containing 12; minus strand). Cytogenetic location: 19q13.42.
Variant type: single nucleotide variant.
Coding change: c.2032G>A on transcript NM_144687.4 (MANE Select); coding-DNA position 2032, G replaced by A.
Protein change: p.Ala678Thr; replaces alanine 678 with threonine.
Molecular consequence: missense variant.
Genome position (GRCh38, 1-based): chr19:53,809,627, C>T on the plus strand (G>A on the coding strand, the complement: NLRP12 is on the minus strand). VCF-style: chr19-53809627-C-T. GRCh37 (hg19) VCF-style: chr19-54312881-C-T.
Other names: c.2032G>A, p.Ala678Thr (NM_001277126.2, NM_001277129.1); short protein forms A678T.
Identifiers: ClinVar variation 1368080 (VCV001368080.6), dbSNP rs1204554159, ClinGen allele CA407411561.

ClinVar aggregate classification (germline): Uncertain significance (1 of 4 stars; one submission).

Conditions:
Familial cold autoinflammatory syndrome 2 (FCAS2). Identifiers: Orphanet 247868, MedGen C2673198, MONDO:0012724, OMIM 611762.

Allele frequency attached by ClinVar (database versions not stated): gnomAD exomes below 0.00001.
gnomAD v4.1: 1 of 1,613,624 alleles (0.000062%); highest among the groups gnomAD compares: Non-Finnish European, 0.000085%; no homozygotes.

Submission:

Labcorp Genetics (formerly Invitae), Labcorp
Classification: Uncertain significance for Familial cold autoinflammatory syndrome 2. Last evaluated: 2024-10-16. Review status: criteria provided, single submitter. Criteria: Invitae Variant Classification Sherloc (09022015). Collection method: clinical testing. Allele origin: germline.
Comment: This sequence change replaces alanine, which is neutral and non-polar, with threonine, which is neutral and polar, at codon 678 of the NLRP12 protein (p.Ala678Thr). This variant is present in population databases (no rsID available, gnomAD 0.0009%). This variant has not been reported in the literature in individuals affected with NLRP12-related conditions. ClinVar contains an entry for this variant (Variation ID: 1368080). Invitae Evidence Modeling of protein sequence and biophysical properties (such as structural, functional, and spatial information, amino acid conservation, physicochemical variation, residue mobility, and thermodynamic stability) indicates that this missense variant is not expected to disrupt NLRP12 protein function with a negative predictive value of 80%. In summary, the available evidence is currently insufficient to determine the role of this variant in disease. Therefore, it has been classified as a Variant of Uncertain Significance.